The following is an entry in ClinVar:

ClinVar aggregate classification (germline): Uncertain significance (1 of 4 stars; one submission).

Conditions:
Inborn genetic diseases. Identifiers: MedGen C0950123, MeSH D030342.

Submission:

Ambry Genetics
Classification: Uncertain significance for Inborn genetic diseases. Last evaluated: 2025-09-10. Review status: criteria provided, single submitter. Criteria: Ambry Variant Classification Scheme 2023. Collection method: clinical testing. Allele origin: germline.
Comment: The p.Q238R variant (also known as c.713A>G), located in coding exon 3 of the PIK3CA gene, results from an A to G substitution at nucleotide position 713. The glutamine at codon 238 is replaced by arginine, an amino acid with highly similar properties. This amino acid position is conserved. In addition, the in silico prediction for this alteration is inconclusive. Based on the available evidence, the clinical significance of this variant remains unclear.

NM_006218.4(PIK3CA):c.713A>G (p.Gln238Arg)

Gene: PIK3CA (phosphatidylinositol-4,5-bisphosphate 3-kinase catalytic subunit alpha; plus strand). Cytogenetic location: 3q26.32.
Variant type: single nucleotide variant.
Coding change: c.713A>G on transcript NM_006218.4 (MANE Select); coding-DNA position 713, A replaced by G.
Protein change: p.Gln238Arg; replaces glutamine 238 with arginine.
Molecular consequence: missense variant.
Genome position (GRCh38, 1-based): chr3:179,201,440, A>G. VCF-style: chr3-179201440-A-G. GRCh37 (hg19) VCF-style: chr3-178919228-A-G.
Other names: short protein forms Q238R.
Identifiers: ClinVar variation 4136822 (VCV004136822.1).